The following is an entry in ClinVar:

NM_002439.5(MSH3):c.2200C>T (p.Arg734Ter)

Gene: MSH3 (mutS homolog 3; plus strand). Cytogenetic location: 5q14.1.
Variant type: single nucleotide variant.
Coding change: c.2200C>T on transcript NM_002439.5 (MANE Select); coding-DNA position 2200, C replaced by T.
Protein change: p.Arg734Ter; replaces arginine 734 with a stop codon.
Molecular consequence: nonsense.
Genome position (GRCh38, 1-based): chr5:80,768,950, C>T. VCF-style: chr5-80768950-C-T. GRCh37 (hg19) VCF-style: chr5-80064769-C-T.
Other names: short protein forms R734*.
Identifiers: ClinVar variation 864573 (VCV000864573.16), dbSNP rs770330684, ClinGen allele CA3328162.

ClinVar aggregate classification (germline): Pathogenic/Likely pathogenic. Review status: criteria provided, multiple submitters, no conflicts (2 of 4 stars). 7 submissions from 7 submitters: Pathogenic (3); Likely pathogenic (4). Last evaluated 2025-12-08.

Conditions:
Familial adenomatous polyposis 4 (FAP4). Also called: MSH3-related attenuated familial adenomatous polyposis. Identifiers: Orphanet 480536, MedGen C4310719, MONDO:0044300, OMIM 617100.
Hereditary cancer-predisposing syndrome. Also called: Neoplastic Syndromes, Hereditary; Tumor predisposition; Hereditary Cancer Syndrome; Hereditary neoplastic syndrome. Identifiers: Orphanet 140162, MedGen C0027672, MeSH D009386, MONDO:0015356.
MSH3-related disorder. Also called: MSH3-related condition.
Endometrial carcinoma. Also called: Endometrial carcinoma, somatic. Identifiers: MedGen C0476089, MONDO:0002447, OMIM 608089, HP:0012114.

Allele frequency attached by ClinVar (database versions not stated): ExAC 0.00001; gnomAD 0.00001; gnomAD exomes 0.00001; TOPMed 0.00001.
gnomAD v4.1: 5 of 1,612,718 alleles (0.00031%); highest among the groups gnomAD compares: African/African-American, 0.0027%; no homozygotes.

Submissions (7):

Labcorp Genetics (formerly Invitae), Labcorp
Classification: Pathogenic. Last evaluated: 2025-12-08. Review status: criteria provided, single submitter. Criteria: Invitae Variant Classification Sherloc (09022015). Collection method: clinical testing. Allele origin: germline.
Comment: This sequence change creates a premature translational stop signal (p.Arg734*) in the MSH3 gene. It is expected to result in an absent or disrupted protein product. Loss-of-function variants in MSH3 are known to be pathogenic (PMID: 27476653, 37402566). This variant is present in population databases (rs770330684, gnomAD 0.007%). This variant has not been reported in the literature in individuals affected with MSH3-related conditions. ClinVar contains an entry for this variant (Variation ID: 864573). For these reasons, this variant has been classified as Pathogenic.

Ambry Genetics
Classification: Pathogenic for Hereditary cancer-predisposing syndrome. Last evaluated: 2024-07-30. Review status: criteria provided, single submitter. Criteria: Ambry Variant Classification Scheme 2023. Collection method: clinical testing. Allele origin: germline.
Comment: The p.R734* pathogenic mutation (also known as c.2200C>T), located in coding exon 15 of the MSH3 gene, results from a C to T substitution at nucleotide position 2200. This changes the amino acid from an arginine to a stop codon within coding exon 15. This variant is considered to be rare based on population cohorts in the Genome Aggregation Database (gnomAD). This alteration is expected to result in loss of function by premature protein truncation or nonsense-mediated mRNA decay. As such, this alteration is interpreted as a disease-causing mutation.

Fulgent Genetics
Classification: Likely pathogenic for Endometrial carcinoma; Familial adenomatous polyposis 4. Last evaluated: 2024-03-17. Review status: criteria provided, single submitter. Criteria: ACMG Guidelines, 2015. Collection method: clinical testing. Allele origin: germline.

Blueprint Genetics
Classification: Likely pathogenic for MSH3-related disorders. Last evaluated: 2023-12-16. Review status: criteria provided, single submitter. Criteria: ACMG Guidelines, 2015. Collection method: clinical testing. Allele origin: germline. Affected: yes. Observed: 2 variant alleles.

Myriad Genetics, Inc.
Classification: Pathogenic for Familial adenomatous polyposis 4. Last evaluated: 2023-08-30. Review status: criteria provided, single submitter. Criteria: Myriad Autosomal Dominant, Autosomal Recessive and X-Linked Classification Criteria (2023). Collection method: clinical testing. Allele origin: unknown.
Comment: This variant is considered pathogenic. This variant creates a termination codon and is predicted to result in premature protein truncation.

GeneDx
Classification: Likely pathogenic. Last evaluated: 2023-08-21. Review status: criteria provided, single submitter. Criteria: GeneDx Variant Classification Process June 2021. Collection method: clinical testing. Allele origin: germline. Affected: yes.
Comment: Nonsense variant predicted to result in protein truncation or nonsense mediated decay in a gene for which loss of function is a known mechanism of disease; Not observed at significant frequency in large population cohorts (gnomAD); Has not been previously published as pathogenic or benign to our knowledge

Baylor Genetics
Classification: Likely pathogenic for Endometrial carcinoma. Last evaluated: 2023-07-23. Review status: criteria provided, single submitter. Criteria: ACMG Guidelines, 2015. Collection method: clinical testing. Allele origin: unknown.

Literature cited by the submitters: PubMed 27476653 (cited by Labcorp Genetics (formerly Invitae), Labcorp); PubMed 37402566 (cited by Labcorp Genetics (formerly Invitae), Labcorp).